The following is an entry in ClinVar:

NM_032119.4(ADGRV1):c.17272A>G (p.Ile5758Val)

Gene: ADGRV1 (adhesion G protein-coupled receptor V1; plus strand). Cytogenetic location: 5q14.3.
Variant type: single nucleotide variant.
Coding change: c.17272A>G on transcript NM_032119.4 (MANE Select); coding-DNA position 17272, A replaced by G.
Protein change: p.Ile5758Val; replaces isoleucine 5758 with valine.
Molecular consequence: missense variant. On other transcripts: non-coding transcript variant (1).
Genome position (GRCh38, 1-based): chr5:90,853,351, A>G. VCF-style: chr5-90853351-A-G. GRCh37 (hg19) VCF-style: chr5-90149168-A-G.
Other names: short protein forms I5758V.
Identifiers: ClinVar variation 1397408 (VCV001397408.8), dbSNP rs2150406569, ClinGen allele CA360429989.
Genomic context (GRCh38, chr5:90,853,351, plus strand): 5'-ACCATCCTTGATAGTTGCCCATATTTGTCAATATTGGCTCTTCACTGGTATCCTCAGCAA[A>G]TCAATGGACACAAGTTTGAAGGAAAGGAAGGAGATTACATTCGAATTCCAGAGAGGCTAC-3'
Protein context (NP_115495.3, residues 5748-5768): ILALHWYPQQ[Ile5758Val]NGHKFEGKEG

ClinVar aggregate classification (germline): Uncertain significance (1 of 4 stars; one submission).

Submission:

Labcorp Genetics (formerly Invitae), Labcorp
Classification: Uncertain significance. Last evaluated: 2024-01-02. Review status: criteria provided, single submitter. Criteria: Invitae Variant Classification Sherloc (09022015). Collection method: clinical testing. Allele origin: germline.
Comment: This sequence change replaces isoleucine, which is neutral and non-polar, with valine, which is neutral and non-polar, at codon 5758 of the ADGRV1 protein (p.Ile5758Val). This variant is not present in population databases (gnomAD no frequency). This variant has not been reported in the literature in individuals affected with ADGRV1-related conditions. ClinVar contains an entry for this variant (Variation ID: 1397408). Advanced modeling of protein sequence and biophysical properties (such as structural, functional, and spatial information, amino acid conservation, physicochemical variation, residue mobility, and thermodynamic stability) performed at Invitae indicates that this missense variant is not expected to disrupt ADGRV1 protein function with a negative predictive value of 95%. In summary, the available evidence is currently insufficient to determine the role of this variant in disease. Therefore, it has been classified as a Variant of Uncertain Significance.